The following is an entry in ClinVar:

NM_015559.3(SETBP1):c.2129G>T (p.Gly710Val)

Gene: SETBP1 (SET binding protein 1; plus strand). Cytogenetic location: 18q12.3.
Variant type: single nucleotide variant.
Coding change: c.2129G>T on transcript NM_015559.3 (MANE Select); coding-DNA position 2129, G replaced by T.
Protein change: p.Gly710Val; replaces glycine 710 with valine.
Molecular consequence: missense variant.
Genome position (GRCh38, 1-based): chr18:44,951,469, G>T. VCF-style: chr18-44951469-G-T. GRCh37 (hg19) VCF-style: chr18-42531434-G-T.
Other names: c.2129G>T, p.Gly710Val (NM_001379141.1, NM_001379142.1); short protein forms G710V.
Identifiers: ClinVar variation 1419737 (VCV001419737.6), dbSNP rs2145103022, ClinGen allele CA402320456.

ClinVar aggregate classification (germline): Uncertain significance (1 of 4 stars; one submission).

Submission:

Labcorp Genetics (formerly Invitae), Labcorp
Classification: Uncertain significance. Last evaluated: 2021-12-06. Review status: criteria provided, single submitter. Criteria: Invitae Variant Classification Sherloc (09022015). Collection method: clinical testing. Allele origin: germline.
Comment: This sequence change replaces glycine, which is neutral and non-polar, with valine, which is neutral and non-polar, at codon 710 of the SETBP1 protein (p.Gly710Val). This variant is not present in population databases (gnomAD no frequency). This variant has not been reported in the literature in individuals affected with SETBP1-related conditions. Algorithms developed to predict the effect of missense changes on protein structure and function (SIFT, PolyPhen-2, Align-GVGD) all suggest that this variant is likely to be disruptive. In summary, the available evidence is currently insufficient to determine the role of this variant in disease. Therefore, it has been classified as a Variant of Uncertain Significance.